The following is an entry in ClinVar:

ClinVar aggregate classification (germline): Benign (1 of 4 stars; one submission).

Allele frequency attached by ClinVar (database versions not stated): TOPMed 0.56629; gnomAD 0.58181 and 0.58197; 1000 Genomes Project 30x 0.59666; 1000 Genomes Project 0.59884.
gnomAD v4.1: 614,003 of 1,067,288 alleles (58%); highest among the groups gnomAD compares: East Asian, 74%; 179,671 homozygotes.

Submission:

GeneDx
Classification: Benign. Last evaluated: 2018-06-18. Review status: criteria provided, single submitter. Criteria: GeneDx Variant Classification (06012015). Collection method: clinical testing. Allele origin: germline. Affected: yes.
Comment: This variant is considered likely benign or benign based on one or more of the following criteria: it is a conservative change, it occurs at a poorly conserved position in the protein, it is predicted to be benign by multiple in silico algorithms, and/or has population frequency not consistent with disease.

NM_182961.4(SYNE1):c.19260+135T>C

Gene: SYNE1 (spectrin repeat containing nuclear envelope protein 1; minus strand). Cytogenetic location: 6q25.2.
Variant type: single nucleotide variant.
Coding change: c.19260+135T>C on transcript NM_182961.4 (MANE Select); 135 bases into the intron after coding-DNA position 19260, T replaced by C.
Molecular consequence: intron variant.
Genome position (GRCh38, 1-based): chr6:152,255,456, A>G on the plus strand (T>C on the coding strand, the complement: SYNE1 is on the minus strand). VCF-style: chr6-152255456-A-G. GRCh37 (hg19) VCF-style: chr6-152576591-A-G.
Other names: c.19047+135T>C (NM_033071.5).
Identifiers: ClinVar variation 670190 (VCV000670190.1), dbSNP rs9397495, ClinGen allele CA12449759.
Genomic context (GRCh38, chr6:152,255,456, plus strand): 5'-CATTTTTCCCTCATACTTACACAAGACAAAGAATGAAAATGCGAACTATAAATATTCTGC[A>G]TTTAAGCAATTATGTTCTGCATTATTAGAATTGTTTTATGTTTGACTTTCTTTATGCATA-3'